The following is an entry in ClinVar:

NM_015102.5(NPHP4):c.833G>T (p.Gly278Val)

Gene: NPHP4 (nephrocystin 4; minus strand). Cytogenetic location: 1p36.31.
Variant type: single nucleotide variant.
Coding change: c.833G>T on transcript NM_015102.5 (MANE Select); coding-DNA position 833, G replaced by T.
Protein change: p.Gly278Val; replaces glycine 278 with valine.
Molecular consequence: missense variant. On other transcripts: 5 prime UTR variant (2), non-coding transcript variant (1).
Genome position (GRCh38, 1-based): chr1:5,948,229, C>A on the plus strand (G>T on the coding strand, the complement: NPHP4 is on the minus strand). VCF-style: chr1-5948229-C-A. GRCh37 (hg19) VCF-style: chr1-6008289-C-A.
Other names: c.-534G>T (NM_001291593.2, NM_001291594.2); short protein forms G278V.
Identifiers: ClinVar variation 2006425 (VCV002006425.4), dbSNP rs2523148828, ClinGen allele CA338065378.

ClinVar aggregate classification (germline): Uncertain significance (1 of 4 stars; one submission).

Conditions:
Nephronophthisis. Also called: Juvenile Nephronophthisis. Identifiers: Orphanet 655, MedGen C0687120, MONDO:0019005, HP:0000090.

Submission:

Labcorp Genetics (formerly Invitae), Labcorp
Classification: Uncertain significance for Nephronophthisis. Last evaluated: 2022-12-18. Review status: criteria provided, single submitter. Criteria: Invitae Variant Classification Sherloc (09022015). Collection method: clinical testing. Allele origin: germline.
Comment: This variant is not present in population databases (gnomAD no frequency). This variant has not been reported in the literature in individuals affected with NPHP4-related conditions. Advanced modeling of protein sequence and biophysical properties (such as structural, functional, and spatial information, amino acid conservation, physicochemical variation, residue mobility, and thermodynamic stability) performed at Invitae indicates that this missense variant is expected to disrupt NPHP4 protein function. In summary, the available evidence is currently insufficient to determine the role of this variant in disease. Therefore, it has been classified as a Variant of Uncertain Significance. This sequence change replaces glycine, which is neutral and non-polar, with valine, which is neutral and non-polar, at codon 278 of the NPHP4 protein (p.Gly278Val).